The following is an entry in ClinVar:

NM_004415.4(DSP):c.5460_5466del (p.Val1821fs)

Gene: DSP (desmoplakin; plus strand). Cytogenetic location: 6p24.3.
Variant type: Deletion.
Coding change: c.5460_5466del on transcript NM_004415.4 (MANE Select); coding-DNA positions 5460 to 5466, 7 bases deleted (AGTCCTG; older notation c.5460_5466delAGTCCTG).
Protein change: p.Val1821fs; shifts the reading frame from valine 1821.
Molecular consequence: frameshift variant.
Genome position (GRCh38, 1-based): chr6:7,582,722-7,582,728, AGTCCTG deleted. VCF-style (leftmost placement, unchanged base first): chr6-7582721-AAGTCCTG-A. GRCh37 (hg19) VCF-style: chr6-7582954-AAGTCCTG-A.
Other names: c.5460_5466del (LRG_423t1); c.3663_3669del, p.Val1222fs (NM_001008844.3); c.4131_4137del, p.Val1378fs (NM_001319034.2); short protein forms V1821fs, V1222fs, V1378fs.
Identifiers: ClinVar variation 464965 (VCV000464965.1), dbSNP rs1554108610, ClinGen allele CA658657577.

ClinVar aggregate classification (germline): Pathogenic (1 of 4 stars; one submission).

Conditions:
Arrhythmogenic right ventricular dysplasia 8 (ARVD8). Also called: ARRHYTHMOGENIC RIGHT VENTRICULAR DYSPLASIA, FAMILIAL, 8; ARRHYTHMOGENIC RIGHT VENTRICULAR CARDIOMYOPATHY 8; Arrhythmogenic Right Ventricular Dysplasia/Cardiomyopathy 8. Identifiers: MedGen C1843896, MONDO:0011831, OMIM 607450.

Submission:

Labcorp Genetics (formerly Invitae), Labcorp
Classification: Pathogenic for Arrhythmogenic right ventricular dysplasia 8. Last evaluated: 2017-03-02. Review status: criteria provided, single submitter. Criteria: Invitae Variant Classification Sherloc (09022015). Collection method: clinical testing. Allele origin: germline.
Comment: This sequence change deletes 7 nucleotides from exon 24 of the DSP mRNA (c.5460_5466delAGTCCTG), causing a frameshift at codon 1821. This creates a premature translational stop signal in the last exon of the DSP mRNA (p.Val1821Serfs*14). While this is not anticipated to result in nonsense mediated decay, it is expected to disrupt the last 1050 amino acids of the DSP protein. While this truncation has not been reported in the literature, a truncating variant located downstream in exon 24 has been reported to be deleterious (PMID: 11063735). For these reasons, this variant has been classified as Pathogenic.